The following is an entry in ClinVar:

NM_012073.5(CCT5):c.*67A>G

Gene: CCT5 (chaperonin containing TCP1 subunit 5; plus strand). Cytogenetic location: 5p15.2.
Variant type: single nucleotide variant.
Coding change: c.*67A>G on transcript NM_012073.5 (MANE Select); 67 bases downstream of the stop codon, A replaced by G.
Molecular consequence: 3 prime UTR variant.
Genome position (GRCh38, 1-based): chr5:10,264,850, A>G. VCF-style: chr5-10264850-A-G. GRCh37 (hg19) VCF-style: chr5-10264962-A-G.
Other names: c.*67A>G (NM_001306153.1, NM_001306154.2, NM_001306155.2 and 1 more transcripts).
Identifiers: ClinVar variation 350262 (VCV000350262.10), dbSNP rs544, ClinGen allele CA10619756.
Genomic context (GRCh38, chr5:10,264,850, plus strand): 5'-TGAGAAAACTATGTAGCAAGATCCACTTCTGTGATTAAGTAAATGGATGTCTCGTGATGC[A>G]TCTACAGTTATTTATTGTTACATCCTTTTCCAGACACTGTAGATGCTATAATAAAAATAG-3'

ClinVar aggregate classification (germline): Benign. Review status: criteria provided, multiple submitters, no conflicts (2 of 4 stars). 4 submissions from 4 submitters: Benign (4). Last evaluated 2021-07-14.

Conditions:
Hereditary sensory and autonomic neuropathy with spastic paraplegia (HSNSP). Identifiers: Orphanet 139578, MedGen C1850395, MONDO:0009748, OMIM 256840.

Allele frequency attached by ClinVar (database versions not stated): 1000 Genomes Project 30x 0.67645; 1000 Genomes Project 0.68570; TOPMed 0.72767; gnomAD 0.73487 and 0.73760.
gnomAD v4.1: 1,312,926 of 1,591,202 alleles (83%); highest among the groups gnomAD compares: East Asian, 89%; 549,137 homozygotes.

Submissions (4):

Genome-Nilou Lab
Classification: Benign for Hereditary sensory and autonomic neuropathy with spastic paraplegia. Last evaluated: 2021-07-14. Review status: criteria provided, single submitter. Criteria: ACMG Guidelines, 2015. Collection method: clinical testing. Allele origin: germline. Affected: no.

GeneDx
Classification: Benign. Last evaluated: 2021-06-18. Review status: criteria provided, single submitter. Criteria: GeneDx Variant Classification Process June 2021. Collection method: clinical testing. Allele origin: germline. Affected: yes.

Illumina Laboratory Services, Illumina
Classification: Benign for Hereditary sensory and autonomic neuropathy with spastic paraplegia. Last evaluated: 2018-01-12. Review status: criteria provided, single submitter. Criteria: ICSL Variant Classification Criteria 13 December 2019. Collection method: clinical testing. Allele origin: germline.
Comment: This variant was observed in the ICSL laboratory as part of a predisposition screen in an ostensibly healthy population. It had not been previously curated by ICSL or reported in the Human Gene Mutation Database (HGMD: prior to June 1st, 2018), and was therefore a candidate for classification through an automated scoring system. Utilizing variant allele frequency, disease prevalence and penetrance estimates, and inheritance mode, an automated score was calculated to assess if this variant is too frequent to cause the disease. Based on the score and internal cut-off values, a variant classified as benign is not then subjected to further curation. The score for this variant resulted in a classification of benign for this disease.

Breakthrough Genomics
Classification: Benign. Review status: criteria provided, single submitter. Criteria: ACMG Guidelines, 2015. Collection method: not provided. Allele origin: germline. Inheritance: Autosomal recessive inheritance. Affected: yes.